The following is an entry in ClinVar:

ClinVar aggregate classification (germline): Pathogenic. Review status: no assertion criteria provided (0 of 4 stars). 2 submissions from 2 submitters: Pathogenic (1). 1 of the submissions does not count toward it. Last evaluated 2009-07-01.

Conditions:
Lethal tight skin contracture syndrome. Also called: FETAL HYPOKINESIA SEQUENCE DUE TO RESTRICTIVE DERMOPATHY; HYPERKERATOSIS-CONTRACTURE SYNDROME; RESTRICTIVE DERMOPATHY, LETHAL; Restrictive dermopathy. Identifiers: Orphanet 1662, MedGen C0406585, MONDO:0031213.

Submissions (2):

OMIM
Classification: Pathogenic for RESTRICTIVE DERMOPATHY, LETHAL. Last evaluated: 2009-07-01. Review status: no assertion criteria provided. Collection method: literature only. Allele origin: germline.

ZMPSTE24 homepage - Leiden Muscular Dystrophy pages
No classification provided. Review status: no classification provided. Collection method: not provided. Allele origin: germline. Not counted in ClinVar's aggregate classification.
Comment: has functional consequence

Literature cited by the submitters: PubMed 19504603 (cited by OMIM).

NM_005857.5(ZMPSTE24):c.715G>T (p.Glu239Ter)

Gene: ZMPSTE24 (zinc metallopeptidase STE24; plus strand). Cytogenetic location: 1p34.2.
Variant type: single nucleotide variant.
Coding change: c.715G>T on transcript NM_005857.5 (MANE Select); coding-DNA position 715, G replaced by T.
Protein change: p.Glu239Ter; replaces glutamic acid 239 with a stop codon.
Molecular consequence: nonsense.
Genome position (GRCh38, 1-based): chr1:40,271,981, G>T. VCF-style: chr1-40271981-G-T. GRCh37 (hg19) VCF-style: chr1-40737653-G-T.
Other names: c.715G>T, p.Glu239Ter (LRG_212t1); short protein forms E239*.
Identifiers: ClinVar variation 4276 (VCV000004276.1), dbSNP rs267607181, ClinGen allele CA116757.